The following is an entry in ClinVar:

ClinVar aggregate classification (germline): Uncertain significance. Review status: criteria provided, multiple submitters, no conflicts (2 of 4 stars). 2 submissions from 2 submitters: Uncertain significance (2). Last evaluated 2024-11-10.

Conditions:
Inborn genetic diseases. Identifiers: MedGen C0950123, MeSH D030342.

Allele frequency attached by ClinVar (database versions not stated): TOPMed 0.00002; 1000 Genomes Project 30x 0.00016; 1000 Genomes Project 0.00020; gnomAD 0.00003; ExAC 0.00002; ESP Exome Variant Server 0.00008.
gnomAD v4.1: 32 of 1,614,002 alleles (0.002%); highest among the groups gnomAD compares: African/African-American, 0.008%; no homozygotes.

Submissions (2):

Ambry Genetics
Classification: Uncertain significance for Inborn genetic diseases. Last evaluated: 2024-11-10. Review status: criteria provided, single submitter. Criteria: Ambry Variant Classification Scheme 2023. Collection method: clinical testing. Allele origin: germline.

Labcorp Genetics (formerly Invitae), Labcorp
Classification: Uncertain significance. Last evaluated: 2021-10-24. Review status: criteria provided, single submitter. Criteria: Invitae Variant Classification Sherloc (09022015). Collection method: clinical testing. Allele origin: germline.
Comment: This sequence change replaces alanine, which is neutral and non-polar, with valine, which is neutral and non-polar, at codon 432 of the GRM6 protein (p.Ala432Val). This variant is present in population databases (rs377276357, gnomAD 0.01%). This variant has not been reported in the literature in individuals affected with GRM6-related conditions. Advanced modeling of protein sequence and biophysical properties (such as structural, functional, and spatial information, amino acid conservation, physicochemical variation, residue mobility, and thermodynamic stability) performed at Invitae indicates that this missense variant is not expected to disrupt GRM6 protein function. Algorithms developed to predict the effect of sequence changes on RNA splicing suggest that this variant may create or strengthen a splice site. In summary, the available evidence is currently insufficient to determine the role of this variant in disease. Therefore, it has been classified as a Variant of Uncertain Significance.

NM_000843.4(GRM6):c.1295C>T (p.Ala432Val)

Genes: GRM6 (glutamate metabotropic receptor 6; minus strand), ZNF454 (zinc finger protein 454; plus strand). Cytogenetic location: 5q35.3.
Variant type: single nucleotide variant.
Coding change: c.1295C>T on transcript NM_000843.4 (MANE Select); coding-DNA position 1295, C replaced by T.
Protein change: p.Ala432Val; replaces alanine 432 with valine.
Molecular consequence: missense variant.
Genome position (GRCh38, 1-based): chr5:178,988,994, G>A on the plus strand (C>T on the coding strand, the complement: GRM6 is on the minus strand). VCF-style: chr5-178988994-G-A. GRCh37 (hg19) VCF-style: chr5-178415995-G-A.
Other names: c.1295C>T (NM_000843.3); short protein forms A432V.
Identifiers: ClinVar variation 1369799 (VCV001369799.4), dbSNP rs377276357, ClinGen allele CA3594133.